The following is an entry in ClinVar:

NM_007175.8(ERLIN2):c.558-20C>T

Gene: ERLIN2 (ER lipid raft associated 2; plus strand). Cytogenetic location: 8p11.23.
Variant type: single nucleotide variant.
Coding change: c.558-20C>T on transcript NM_007175.8 (MANE Select); 20 bases into the intron before coding-DNA position 558, C replaced by T.
Molecular consequence: intron variant.
Genome position (GRCh38, 1-based): chr8:37,750,375, C>T. VCF-style: chr8-37750375-C-T. GRCh37 (hg19) VCF-style: chr8-37607893-C-T.
Other names: c.558-20C>T (NM_001362878.2).
Identifiers: ClinVar variation 508481 (VCV000508481.7), dbSNP rs76777169, ClinGen allele CA4710943.

ClinVar aggregate classification (germline): Benign/Likely benign. Review status: criteria provided, multiple submitters, no conflicts (2 of 4 stars). 3 submissions from 3 submitters: Benign (1); Likely benign (2). Last evaluated 2025-12-03.

Conditions:
Spastic paraplegia. Identifiers: MedGen C0037772, HP:0001258.

Allele frequency attached by ClinVar (database versions not stated): gnomAD 0.00055 and 0.00086; gnomAD exomes 0.00073 and 0.00137; ESP Exome Variant Server 0.00046; TOPMed 0.00085; ExAC 0.00149; 1000 Genomes Project 30x 0.00297; 1000 Genomes Project 0.00359.
gnomAD v4.1: 1,195 of 1,598,704 alleles (0.075%); highest among the groups gnomAD compares: East Asian, 1.9%; 8 homozygotes.

Submissions (3):

Labcorp Genetics (formerly Invitae), Labcorp
Classification: Benign for Spastic paraplegia. Last evaluated: 2025-12-03. Review status: criteria provided, single submitter. Criteria: Invitae Variant Classification Sherloc (09022015). Collection method: clinical testing. Allele origin: germline.

Blueprint Genetics
Classification: Likely benign. Last evaluated: 2024-10-04. Review status: criteria provided, single submitter. Criteria: ACMG Guidelines, 2015. Collection method: clinical testing. Allele origin: germline.

GeneDx
Classification: Likely benign. Last evaluated: 2017-03-30. Review status: criteria provided, single submitter. Criteria: GeneDx Variant Classification (06012015). Collection method: clinical testing. Allele origin: germline. Affected: yes.
Comment: This variant is considered likely benign or benign based on one or more of the following criteria: it is a conservative change, it occurs at a poorly conserved position in the protein, it is predicted to be benign by multiple in silico algorithms, and/or has population frequency not consistent with disease.